The following is an entry in ClinVar:

ClinVar aggregate classification (germline): Uncertain significance (1 of 4 stars; one submission).

Allele frequency attached by ClinVar (database versions not stated): gnomAD exomes below 0.00001; TOPMed below 0.00001; gnomAD 0.00001.
gnomAD v4.1: 3 of 1,614,114 alleles (0.00019%); highest among the groups gnomAD compares: African/African-American, 0.0027%; no homozygotes.

Submission:

Labcorp Genetics (formerly Invitae), Labcorp
Classification: Uncertain significance. Last evaluated: 2022-07-14. Review status: criteria provided, single submitter. Criteria: Invitae Variant Classification Sherloc (09022015). Collection method: clinical testing. Allele origin: germline.
Comment: In summary, the available evidence is currently insufficient to determine the role of this variant in disease. Therefore, it has been classified as a Variant of Uncertain Significance. Algorithms developed to predict the effect of missense changes on protein structure and function (SIFT, PolyPhen-2, Align-GVGD) all suggest that this variant is likely to be tolerated. This variant has not been reported in the literature in individuals affected with ARFGEF2-related conditions. This variant is not present in population databases (gnomAD no frequency). This sequence change replaces lysine, which is basic and polar, with arginine, which is basic and polar, at codon 112 of the ARFGEF2 protein (p.Lys112Arg).

NM_006420.3(ARFGEF2):c.335A>G (p.Lys112Arg)

Gene: ARFGEF2 (ARF guanine nucleotide exchange factor 2; plus strand). Cytogenetic location: 20q13.13.
Variant type: single nucleotide variant.
Coding change: c.335A>G on transcript NM_006420.3 (MANE Select); coding-DNA position 335, A replaced by G.
Protein change: p.Lys112Arg; replaces lysine 112 with arginine.
Molecular consequence: missense variant.
Genome position (GRCh38, 1-based): chr20:48,951,381, A>G. VCF-style: chr20-48951381-A-G. GRCh37 (hg19) VCF-style: chr20-47567918-A-G.
Other names: c.335A>G, p.Lys112Arg (NM_001410846.1); short protein forms K112R.
Identifiers: ClinVar variation 2016951 (VCV002016951.4), dbSNP rs1284398539, ClinGen allele CA409317327.